The following is an entry in ClinVar:

NM_001034850.3(RETREG1):c.1490A>G (p.His497Arg)

Gene: RETREG1 (reticulophagy regulator 1; minus strand). Cytogenetic location: 5p15.1.
Variant type: single nucleotide variant.
Coding change: c.1490A>G on transcript NM_001034850.3 (MANE Select); coding-DNA position 1490, A replaced by G.
Protein change: p.His497Arg; replaces histidine 497 with arginine.
Molecular consequence: missense variant.
Genome position (GRCh38, 1-based): chr5:16,474,745, T>C on the plus strand (A>G on the coding strand, the complement: RETREG1 is on the minus strand). VCF-style: chr5-16474745-T-C. GRCh37 (hg19) VCF-style: chr5-16474854-T-C.
Other names: c.1490A>G (NM_001034850.1); c.1067A>G, p.His356Arg (NM_019000.5); short protein forms H497R, H356R.
Identifiers: ClinVar variation 581538 (VCV000581538.10), dbSNP rs746011053, ClinGen allele CA3210203.

ClinVar aggregate classification (germline): Uncertain significance. Review status: criteria provided, multiple submitters, no conflicts (2 of 4 stars). 2 submissions from 2 submitters: Uncertain significance (2). Last evaluated 2025-08-19.

Conditions:
Inborn genetic diseases. Identifiers: MedGen C0950123, MeSH D030342.

Allele frequency attached by ClinVar (database versions not stated): TOPMed 0.00001; gnomAD exomes 0.00002 and 0.00004; ExAC 0.00006.
gnomAD v4.1: 10 of 1,612,500 alleles (0.00062%); highest among the groups gnomAD compares: Admixed American, 0.0084%; no homozygotes.

Submissions (2):

Ambry Genetics
Classification: Uncertain significance for Inborn genetic diseases. Last evaluated: 2025-08-19. Review status: criteria provided, single submitter. Criteria: Ambry Variant Classification Scheme 2023. Collection method: clinical testing. Allele origin: germline.

Labcorp Genetics (formerly Invitae), Labcorp
Classification: Uncertain significance. Last evaluated: 2018-04-13. Review status: criteria provided, single submitter. Criteria: Invitae Variant Classification Sherloc (09022015). Collection method: clinical testing. Allele origin: germline.
Comment: In summary, the available evidence is currently insufficient to determine the role of this variant in disease. Therefore, it has been classified as a Variant of Uncertain Significance. Algorithms developed to predict the effect of missense changes on protein structure and function (SIFT, PolyPhen-2, Align-GVGD) all suggest that this variant is likely to be disruptive, but these predictions have not been confirmed by published functional studies and their clinical significance is uncertain. This variant has not been reported in the literature in individuals with FAM134B-related disease. This variant is present in population databases (rs746011053, ExAC 0.03%). This sequence change replaces histidine with arginine at codon 497 of the FAM134B protein (p.His497Arg). The histidine residue is highly conserved and there is a small physicochemical difference between histidine and arginine.